The following is an entry in ClinVar:

ClinVar aggregate classification (germline): Pathogenic/Likely pathogenic. Review status: criteria provided, multiple submitters, no conflicts (2 of 4 stars). 2 submissions from 2 submitters: Pathogenic (1); Likely pathogenic (1). Last evaluated 2026-09-14.

Conditions:
Hereditary cancer-predisposing syndrome. Also called: Neoplastic Syndromes, Hereditary; Hereditary Cancer Syndrome; Tumor predisposition; Hereditary neoplastic syndrome. Identifiers: Orphanet 140162, MedGen C0027672, MeSH D009386, MONDO:0015356.
Parathyroid carcinoma (PRTC). Also called: CDC73-Related Parathyroid Carcinoma; Parathyroid gland carcinoma. Identifiers: Orphanet 143, MedGen C0687150, MONDO:0012004, OMIM 608266, HP:0006780.

Submissions (2):

Ambry Genetics
Classification: Likely pathogenic for Hereditary cancer-predisposing syndrome. Last evaluated: 2026-09-14. Review status: criteria provided, single submitter. Criteria: Ambry Variant Classification Scheme 2023. Collection method: clinical testing. Allele origin: germline.
Comment: The c.237+1G>C intronic alteration consists of a G to C substitution nucleotides after coding exon 2 in the CDC73 gene. This variant was not reported in population-based cohorts in the Genome Aggregation Database (gnomAD). This variant was identified in one or more individuals with features consistent with CDC73-related disorders and segregated with disease in at least one family (Villablanca, 2004). This nucleotide position is highly conserved in available vertebrate species. In silico splice site analysis predicts that this alteration will weaken the native splice donor site. Based on the available evidence, this alteration is classified as likely pathogenic.

Labcorp Genetics (formerly Invitae), Labcorp
Classification: Pathogenic for Parathyroid carcinoma. Last evaluated: 2024-07-30. Review status: criteria provided, single submitter. Criteria: Invitae Variant Classification Sherloc (09022015). Collection method: clinical testing. Allele origin: germline.
Comment: This sequence change affects a donor splice site in intron 2 of the CDC73 gene. It is expected to disrupt RNA splicing. Variants that disrupt the donor or acceptor splice site typically lead to a loss of protein function (PMID: 16199547), and loss-of-function variants in CDC73 are known to be pathogenic (PMID: 12434154). This variant is not present in population databases (gnomAD no frequency). Disruption of this splice site has been observed in individual(s) with primary hyperparathyroidism (PMID: 14985403, 23293331). It has also been observed to segregate with disease in related individuals. ClinVar contains an entry for this variant (Variation ID: 403882). Studies have shown that disruption of this splice site alters mRNA splicing and is expected to lead to the loss of protein expression (PMID: 19332451). For these reasons, this variant has been classified as Pathogenic.

Literature cited by the submitters: PubMed 14985403 (cited by Ambry Genetics and Labcorp Genetics (formerly Invitae), Labcorp); PubMed 16199547 (cited by Labcorp Genetics (formerly Invitae), Labcorp); PubMed 12434154 (cited by Labcorp Genetics (formerly Invitae), Labcorp); PubMed 23293331 (cited by Labcorp Genetics (formerly Invitae), Labcorp); PubMed 19332451 (cited by Labcorp Genetics (formerly Invitae), Labcorp).

NM_024529.5(CDC73):c.237+1G>C

Gene: CDC73 (cell division cycle 73; plus strand). Cytogenetic location: 1q31.2.
Variant type: single nucleotide variant.
Coding change: c.237+1G>C on transcript NM_024529.5 (MANE Select); the canonical splice donor site of the intron after coding-DNA position 237, G replaced by C.
Molecular consequence: splice donor variant.
Genome position (GRCh38, 1-based): chr1:193,125,218, G>C. VCF-style: chr1-193125218-G-C. GRCh37 (hg19) VCF-style: chr1-193094348-G-C.
Identifiers: ClinVar variation 403882 (VCV000403882.12), dbSNP rs794727303, ClinGen allele CA16609972.